The following is an entry in ClinVar:

ClinVar aggregate classification (germline): Benign/Likely benign. Review status: criteria provided, multiple submitters, no conflicts (2 of 4 stars). 5 submissions from 5 submitters: Benign (2); Likely benign (2). 1 of the submissions does not count toward it. Last evaluated 2026-01-26.

Conditions:
NEBL-related disorder. Also called: NEBL-related condition.
Primary dilated cardiomyopathy (DCM). Also called: Dilated Cardiomyopathy. Identifiers: Orphanet 217604, MedGen C0007193, MeSH D002311, MONDO:0005021, HP:0001644. Inheritance: Various modes of inheritance.

Allele frequency attached by ClinVar (database versions not stated): ExAC 0.00018; gnomAD exomes 0.00025 and 0.00072; gnomAD 0.00034 and 0.00036; TOPMed 0.00036; ESP Exome Variant Server 0.00046.
gnomAD v4.1: 1,124 of 1,588,686 alleles (0.071%); highest among the groups gnomAD compares: Non-Finnish European, 0.089%; 3 homozygotes.

Submissions (5):

Labcorp Genetics (formerly Invitae), Labcorp
Classification: Likely benign for Primary dilated cardiomyopathy. Last evaluated: 2026-01-26. Review status: criteria provided, single submitter. Criteria: Invitae Variant Classification Sherloc (09022015). Collection method: clinical testing. Allele origin: germline.

Women's Health and Genetics/Laboratory Corporation of America, LabCorp
Classification: Benign. Last evaluated: 2025-04-29. Review status: criteria provided, single submitter. Criteria: LabCorp Variant Classification Summary - May 2015. Collection method: clinical testing. Allele origin: germline.

Laboratory for Molecular Medicine, Mass General Brigham Personalized Medicine
Classification: Likely benign. Last evaluated: 2017-08-23. Review status: criteria provided, single submitter. Criteria: LMM Criteria. Collection method: clinical testing. Allele origin: germline. Observed: 1 variant allele.
Comment: c.1962+7A>G in Intron 19 of NEBL: This variant is not expected to have clinical significance because it is not located within the splice consensus sequence. It has been identified in 55/125482 of European chromosomes by the Genome Aggregati on Database (gnomAD; dbSNP rs371630900).

GeneDx
Classification: Benign. Last evaluated: 2015-09-10. Review status: criteria provided, single submitter. Criteria: GeneDx Variant Classification (06012015). Collection method: clinical testing. Allele origin: germline. Affected: yes.
Comment: This variant is considered likely benign or benign based on one or more of the following criteria: it is a conservative change, it occurs at a poorly conserved position in the protein, it is predicted to be benign by multiple in silico algorithms, and/or has population frequency not consistent with disease.

PreventionGenetics, part of Exact Sciences
Classification: Likely benign for NEBL-related condition. Last evaluated: 2019-05-15. Review status: no assertion criteria provided. Collection method: clinical testing. Allele origin: germline. Not counted in ClinVar's aggregate classification.
Comment: This variant is classified as likely benign based on ACMG/AMP sequence variant interpretation guidelines (Richards et al. 2015 PMID: 25741868, with internal and published modifications).

NM_006393.3(NEBL):c.1962+7A>G

Gene: NEBL (nebulette; minus strand). Cytogenetic location: 10p12.31.
Variant type: single nucleotide variant.
Coding change: c.1962+7A>G on transcript NM_006393.3 (MANE Select); 7 bases into the intron after coding-DNA position 1962, A replaced by G.
Molecular consequence: intron variant.
Genome position (GRCh38, 1-based): chr10:20,823,201, T>C on the plus strand (A>G on the coding strand, the complement: NEBL is on the minus strand). VCF-style: chr10-20823201-T-C. GRCh37 (hg19) VCF-style: chr10-21112130-T-C.
Other names: c.250-10261A>G (NM_001377326.1, NM_001377327.1, NM_001377328.1); c.358-10261A>G (NM_213569.2, NM_001173484.2, NM_001377322.1); c.301-10261A>G (NM_001377324.1); c.292-10261A>G (NM_001377325.1); c.310-10261A>G (NM_001377323.1).
Identifiers: ClinVar variation 378265 (VCV000378265.23), dbSNP rs371630900, ClinGen allele CA5432689.